The following is an entry in ClinVar:

NM_003872.3(NRP2):c.2425+9690T>G

Gene: NRP2 (neuropilin 2; plus strand). Cytogenetic location: 2q33.3.
Variant type: single nucleotide variant.
Coding change: c.2425+9690T>G on transcript NM_003872.3 (MANE Select); 9690 bases into the intron after coding-DNA position 2425, T replaced by G.
Molecular consequence: intron variant. On other transcripts: missense variant (2).
Genome position (GRCh38, 1-based): chr2:205,776,493, T>G. VCF-style: chr2-205776493-T-G. GRCh37 (hg19) VCF-style: chr2-206641217-T-G.
Other names: c.2688T>G, p.Ile896Met (NM_018534.4); c.2673T>G, p.Ile891Met (NM_201267.2); c.2440+9675T>G (NM_201266.2); c.2425+9690T>G (NM_201279.2); short protein forms I891M, I896M.
Identifiers: ClinVar variation 3348804 (VCV003348804.1).
Genomic context (GRCh38, chr2:205,776,493, plus strand): 5'-CTACAAAACCTCCCACTACACCAACGGGGCCCCTCTGGCGGTGGAGCCCACCCTAACCAT[T>G]AAGCTAGAGCAAGACCGTGGCTCGCACTGCTGAGGGCCGAAGCAAGAACAGCACCCAAAA-3'

ClinVar aggregate classification (germline): Uncertain significance (0 of 4 stars; one submission).

Conditions:
NRP2-related disorder. Also called: NRP2-related condition.

gnomAD v4.1: 16 of 1,609,674 alleles (0.00099%); highest among the groups gnomAD compares: Non-Finnish European, 0.0014%; no homozygotes.

Submission:

PreventionGenetics, part of Exact Sciences
Classification: Uncertain significance for NRP2-related condition. Last evaluated: 2023-10-27. Review status: no assertion criteria provided. Collection method: clinical testing. Allele origin: germline.
Comment: The NRP2 c.2673T>G variant is predicted to result in the amino acid substitution p.Ile891Met. To our knowledge, this variant has not been reported in the literature. This variant is reported in 0.0023% of alleles in individuals of European (Non-Finnish) descent in gnomAD. At this time, the clinical significance of this variant is uncertain due to the absence of conclusive functional and genetic evidence.